The following is an entry in ClinVar:

ClinVar aggregate classification (germline): Uncertain significance (1 of 4 stars; one submission).

gnomAD v4.1: 1 of 1,613,076 alleles (0.000062%); highest among the groups gnomAD compares: East Asian, 0.0022%; no homozygotes.

Submission:

Labcorp Genetics (formerly Invitae), Labcorp
Classification: Uncertain significance. Last evaluated: 2025-12-27. Review status: criteria provided, single submitter. Criteria: Invitae Variant Classification Sherloc (09022015). Collection method: clinical testing. Allele origin: germline.
Comment: This sequence change replaces arginine, which is basic and polar, with leucine, which is neutral and non-polar, at codon 2844 of the COL7A1 protein (p.Arg2844Leu). This variant is not present in population databases (gnomAD no frequency). This variant has not been reported in the literature in individuals affected with COL7A1-related conditions. Invitae Evidence Modeling of protein sequence and biophysical properties (such as structural, functional, and spatial information, amino acid conservation, physicochemical variation, residue mobility, and thermodynamic stability) indicates that this missense variant is not expected to disrupt COL7A1 protein function with a negative predictive value of 95%. In summary, the available evidence is currently insufficient to determine the role of this variant in disease. Therefore, it has been classified as a Variant of Uncertain Significance.

NM_000094.4(COL7A1):c.8531G>T (p.Arg2844Leu)

Gene: COL7A1 (collagen type VII alpha 1 chain; minus strand). Cytogenetic location: 3p21.31.
Variant type: single nucleotide variant.
Coding change: c.8531G>T on transcript NM_000094.4 (MANE Select); coding-DNA position 8531, G replaced by T.
Protein change: p.Arg2844Leu; replaces arginine 2844 with leucine.
Molecular consequence: missense variant.
Genome position (GRCh38, 1-based): chr3:48,565,198, C>A on the plus strand (G>T on the coding strand, the complement: COL7A1 is on the minus strand). VCF-style: chr3-48565198-C-A. GRCh37 (hg19) VCF-style: chr3-48602631-C-A.
Other names: short protein forms R2844L.
Identifiers: ClinVar variation 4767252 (VCV004767252.1).